The following is an entry in ClinVar:

ClinVar aggregate classification (germline): Uncertain significance. Review status: criteria provided, multiple submitters, no conflicts (2 of 4 stars). 3 submissions from 3 submitters: Uncertain significance (3). Last evaluated 2025-10-15.

Conditions:
Inborn genetic diseases. Identifiers: MedGen C0950123, MeSH D030342.
NEFH-related disorder. Also called: NEFH-related condition.

Allele frequency attached by ClinVar (database versions not stated): gnomAD exomes 0.00001; TOPMed 0.00008; ExAC 0.00009.

Submissions (3):

PreventionGenetics, part of Exact Sciences
Classification: Uncertain significance for NEFH-related condition. Last evaluated: 2025-10-15. Review status: criteria provided, single submitter. Criteria: ACMG Guidelines, 2015. Collection method: clinical testing. Allele origin: germline.
Comment: The NEFH c.94G>C variant is predicted to result in the amino acid substitution p.Gly32Arg. To our knowledge, this variant has not been reported in the literature. This variant is reported in 0.0043% of alleles in individuals of European (non-Finnish) descent in gnomAD. At this time, the clinical significance of this variant is uncertain due to the absence of conclusive functional and genetic evidence.

Labcorp Genetics (formerly Invitae), Labcorp
Classification: Uncertain significance. Last evaluated: 2024-12-08. Review status: criteria provided, single submitter. Criteria: Invitae Variant Classification Sherloc (09022015). Collection method: clinical testing. Allele origin: germline.
Comment: This sequence change replaces glycine, which is neutral and non-polar, with arginine, which is basic and polar, at codon 32 of the NEFH protein (p.Gly32Arg). The frequency data for this variant in the population databases is considered unreliable, as metrics indicate poor data quality at this position in the gnomAD database. This variant has not been reported in the literature in individuals affected with NEFH-related conditions. ClinVar contains an entry for this variant (Variation ID: 1365947). Invitae Evidence Modeling of protein sequence and biophysical properties (such as structural, functional, and spatial information, amino acid conservation, physicochemical variation, residue mobility, and thermodynamic stability) indicates that this missense variant is not expected to disrupt NEFH protein function with a negative predictive value of 95%. In summary, the available evidence is currently insufficient to determine the role of this variant in disease. Therefore, it has been classified as a Variant of Uncertain Significance.

Ambry Genetics
Classification: Uncertain significance for Inborn genetic diseases. Last evaluated: 2024-01-09. Review status: criteria provided, single submitter. Criteria: Ambry Variant Classification Scheme 2023. Collection method: clinical testing. Allele origin: germline.

NM_021076.4(NEFH):c.94G>C (p.Gly32Arg)

Gene: NEFH (neurofilament heavy chain; plus strand). Cytogenetic location: 22q12.2.
Variant type: single nucleotide variant.
Coding change: c.94G>C on transcript NM_021076.4 (MANE Select); coding-DNA position 94, G replaced by C.
Protein change: p.Gly32Arg; replaces glycine 32 with arginine.
Molecular consequence: missense variant.
Genome position (GRCh38, 1-based): chr22:29,480,356, G>C. VCF-style: chr22-29480356-G-C. GRCh37 (hg19) VCF-style: chr22-29876345-G-C.
Other names: short protein forms G32R.
Identifiers: ClinVar variation 1365947 (VCV001365947.9), dbSNP rs758066792, ClinGen allele CA10173966.